The following is an entry in ClinVar:

ClinVar aggregate classification (germline): Uncertain significance (1 of 4 stars; one submission).

Submission:

GeneDx
Classification: Uncertain significance. Last evaluated: 2024-06-13. Review status: criteria provided, single submitter. Criteria: GeneDx Variant Classification Process June 2021. Collection method: clinical testing. Allele origin: germline. Affected: yes.
Comment: Not observed at significant frequency in large population cohorts (gnomAD); In silico analysis supports that this missense variant has a deleterious effect on protein structure/function; Has not been previously published as pathogenic or benign to our knowledge

NM_003126.4(SPTA1):c.6267G>T (p.Leu2089Phe)

Gene: SPTA1 (spectrin alpha, erythrocytic 1; minus strand). Cytogenetic location: 1q23.1.
Variant type: single nucleotide variant.
Coding change: c.6267G>T on transcript NM_003126.4 (MANE Select); coding-DNA position 6267, G replaced by T.
Protein change: p.Leu2089Phe; replaces leucine 2089 with phenylalanine.
Molecular consequence: missense variant.
Genome position (GRCh38, 1-based): chr1:158,620,320, C>A on the plus strand (G>T on the coding strand, the complement: SPTA1 is on the minus strand). VCF-style: chr1-158620320-C-A. GRCh37 (hg19) VCF-style: chr1-158590110-C-A.
Other names: short protein forms L2089F.
Identifiers: ClinVar variation 3390469 (VCV003390469.1).